The following is an entry in ClinVar:

NM_000489.6(ATRX):c.2971G>C (p.Glu991Gln)

Gene: ATRX (ATRX chromatin remodeler; minus strand). Cytogenetic location: Xq21.1.
Variant type: single nucleotide variant.
Coding change: c.2971G>C on transcript NM_000489.6 (MANE Select); coding-DNA position 2971, G replaced by C.
Protein change: p.Glu991Gln; replaces glutamic acid 991 with glutamine.
Molecular consequence: missense variant.
Genome position (GRCh38, 1-based): chrX:77,682,285, C>G on the plus strand (G>C on the coding strand, the complement: ATRX is on the minus strand). VCF-style: chrX-77682285-C-G. GRCh37 (hg19) VCF-style: chrX-76937777-C-G.
Other names: c.2857G>C, p.Glu953Gln (NM_138270.5); c.2971G>C (NM_000489.3); short protein forms E953Q, E991Q.
Identifiers: ClinVar variation 2201870 (VCV002201870.5), dbSNP rs782574426, ClinGen allele CA10458010.
Genomic context (GRCh38, chrX:77,682,285, plus strand): 5'-ATTCATACTGTTGTTCCATTTTAATTACTTTTTTCTTAAAGTCTGAAGGTTTCTTTTTTT[C>G]TTCAGTTCCCTTTTTGCTCTGCTTTTTATCATCTTCAGAAGTTTCATCGCTCTGGTCTTT-3'
Protein context (NP_000480.3, residues 981-1001): DKKQSKKGTE[Glu991Gln]KKKPSDFKKK

ClinVar aggregate classification (germline): Conflicting classifications of pathogenicity. Review status: criteria provided, conflicting classifications (1 of 4 stars). 2 submissions from 2 submitters: Uncertain significance (1); Likely benign (1). Last evaluated 2025-09-21.

Conditions:
Alpha thalassemia-X-linked intellectual disability syndrome (ATRX). Also called: ALPHA-THALASSEMIA/MENTAL RETARDATION SYNDROME, X-LINKED; ATR, NONDELETION TYPE; ATR-X syndrome; Alpha thalassemia mental retardation syndrome, nondeletion type, X-linked; XLMR hypotonic face syndrome; X-linked alpha-thalassemia-mental retardation syndrome. Identifiers: Orphanet 847, MedGen C1845055, MONDO:0010519, OMIM 301040.
Inborn genetic diseases. Identifiers: MedGen C0950123, MeSH D030342.

Allele frequency attached by ClinVar (database versions not stated): gnomAD exomes below 0.00001; TOPMed below 0.00001; gnomAD 0.00001.
gnomAD v4.1: 3 of 1,195,992 alleles (0.00025%); highest among the groups gnomAD compares: Non-Finnish European, 0.00034%; no homozygotes.

Submissions (2):

Ambry Genetics
Classification: Uncertain significance for Inborn genetic diseases. Last evaluated: 2025-09-21. Review status: criteria provided, single submitter. Criteria: Ambry Variant Classification Scheme 2023. Collection method: clinical testing. Allele origin: germline.
Comment: The c.2971G>C (p.E991Q) alteration is located in exon 9 (coding exon 9) of the ATRX gene. This alteration results from a G to C substitution at nucleotide position 2971, causing the glutamic acid (E) at amino acid position 991 to be replaced by a glutamine (Q). Based on data from gnomAD, the C allele has an overall frequency of 0.001% (2/190990) total alleles studied. The highest observed frequency was 0.002% (2/88151) of European (non-Finnish) alleles. Based on insufficient or conflicting evidence, the clinical significance of this alteration remains unclear.

Labcorp Genetics (formerly Invitae), Labcorp
Classification: Likely benign for Alpha thalassemia-X-linked intellectual disability syndrome. Last evaluated: 2022-07-17. Review status: criteria provided, single submitter. Criteria: Invitae Variant Classification Sherloc (09022015). Collection method: clinical testing. Allele origin: germline.